The following is an entry in ClinVar:

ClinVar aggregate classification (germline): Uncertain significance (1 of 4 stars; one submission).

Conditions:
X-linked intellectual disability Cabezas type (MRXSC). Also called: CABEZAS SYNDROME; MENTAL RETARDATION, X-LINKED, SYNDROMIC 15; Intellectual developmental disorder, X-linked syndromic, Cabezas type. Identifiers: Orphanet 85289, Orphanet 85293, MedGen C1845861, MONDO:0010306, OMIM 300354.

Submission:

3billion
Classification: Uncertain significance for X-linked intellectual disability Cabezas type. Last evaluated: 2025-09-05. Review status: criteria provided, single submitter. Criteria: ACMG Guidelines, 2015. Collection method: clinical testing. Allele origin: germline. Affected: yes.
Comment: The variant is not observed in the gnomAD v4.1.0 dataset. Predicted Consequence/Location: Intron variant In silico tools predict the variant to alter splicing and produce an abnormal transcript [SpliceAI: 0.81 (>=0.2, moderate evidence for spliceogenicity)]. Therefore, this variant is classified as VUS according to the recommendation of ACMG/AMP guideline.

NM_001079872.2(CUL4B):c.673-9A>G

Gene: CUL4B (cullin 4B; minus strand). Cytogenetic location: Xq24.
Variant type: single nucleotide variant.
Coding change: c.673-9A>G on transcript NM_001079872.2 (MANE Select); 9 bases into the intron before coding-DNA position 673, A replaced by G.
Molecular consequence: intron variant.
Genome position (GRCh38, 1-based): chrX:120,547,248, T>C on the plus strand (A>G on the coding strand, the complement: CUL4B is on the minus strand). VCF-style: chrX-120547248-T-C. GRCh37 (hg19) VCF-style: chrX-119681103-T-C.
Other names: c.727-9A>G (NM_003588.4); c.688-9A>G (NM_001330624.2); c.139-9A>G (NM_001369145.1).
Identifiers: ClinVar variation 4855786 (VCV004855786.1).